The following is an entry in ClinVar:

NM_006343.3(MERTK):c.263C>T (p.Ser88Leu)

Gene: MERTK (MER proto-oncogene, tyrosine kinase; plus strand). Cytogenetic location: 2q13.
Variant type: single nucleotide variant.
Coding change: c.263C>T on transcript NM_006343.3 (MANE Select); coding-DNA position 263, C replaced by T.
Protein change: p.Ser88Leu; replaces serine 88 with leucine.
Molecular consequence: missense variant.
Genome position (GRCh38, 1-based): chr2:111,929,321, C>T. VCF-style: chr2-111929321-C-T. GRCh37 (hg19) VCF-style: chr2-112686898-C-T.
Other names: short protein forms S88L.
Identifiers: ClinVar variation 866432 (VCV000866432.11), dbSNP rs372527246, ClinGen allele CA1831007.

ClinVar aggregate classification (germline): Conflicting classifications of pathogenicity. Review status: criteria provided, conflicting classifications (1 of 4 stars). 5 submissions from 5 submitters: Likely pathogenic (2); Uncertain significance (3). Last evaluated 2025-08-22.

Conditions:
MERTK-related disorder. Also called: MERTK-related condition.
Retinitis pigmentosa 38 (RP38). Also called: ROD-CONE DYSTROPHY, CHILDHOOD-ONSET. Identifiers: Orphanet 791, MedGen C3151228, MONDO:0013469, OMIM 613862.

Allele frequency attached by ClinVar (database versions not stated): gnomAD exomes 0.00003 and 0.00004; ExAC 0.00005; TOPMed 0.00006; ESP Exome Variant Server 0.00008; 1000 Genomes Project 30x 0.00031; 1000 Genomes Project 0.00040.
gnomAD v4.1: 55 of 1,614,190 alleles (0.0034%); highest among the groups gnomAD compares: Middle Eastern, 0.049%; no homozygotes.

Submissions (5):

First Genomix Gene Laboratory, Genetic Diagnostics Department
Classification: Likely pathogenic for Retinitis pigmentosa 38. Last evaluated: 2025-08-22. Review status: criteria provided, single submitter. Criteria: ACMG Guidelines, 2015. Collection method: clinical testing. Allele origin: germline. Inheritance: Autosomal recessive inheritance. Affected: no. Observed: 1 variant allele.

PreventionGenetics, part of Exact Sciences
Classification: Uncertain significance for MERTK-related condition. Last evaluated: 2025-05-22. Review status: criteria provided, single submitter. Criteria: ACMG Guidelines, 2015. Collection method: clinical testing. Allele origin: germline.
Comment: The MERTK c.263C>T variant is predicted to result in the amino acid substitution p.Ser88Leu. This variant has been reported in the heterozygous state along with two different exon deletions in three individuals with retinal disease (Table S5, Ellingford et al. 2018. PubMed ID: 29074561; Table S1, Lin et al. 2024. PubMed ID: 38219857). This variant is present in 0.020% of alleles in individuals of African descent in gnomAD. Although we suspect that this variant may be pathogenic, at this time, the clinical significance of this variant is uncertain due to the absence of conclusive functional and genetic evidence.

Labcorp Genetics (formerly Invitae), Labcorp
Classification: Uncertain significance. Last evaluated: 2024-11-18. Review status: criteria provided, single submitter. Criteria: Invitae Variant Classification Sherloc (09022015). Collection method: clinical testing. Allele origin: germline.
Comment: This sequence change replaces serine, which is neutral and polar, with leucine, which is neutral and non-polar, at codon 88 of the MERTK protein (p.Ser88Leu). This variant is present in population databases (rs372527246, gnomAD 0.02%). This missense change has been observed in individuals with clinical features of autosomal recessive retinitis pigmentosa (PMID: 29074561). ClinVar contains an entry for this variant (Variation ID: 866432). An algorithm developed to predict the effect of missense changes on protein structure and function outputs the following: PolyPhen-2: "Benign". The leucine amino acid residue is found in multiple mammalian species, which suggests that this missense change does not adversely affect protein function. In summary, the available evidence is currently insufficient to determine the role of this variant in disease. Therefore, it has been classified as a Variant of Uncertain Significance.

Blueprint Genetics
Classification: Uncertain significance. Last evaluated: 2024-10-23. Review status: criteria provided, single submitter. Criteria: ACMG Guidelines, 2015. Collection method: clinical testing. Allele origin: germline.

Centre for Human Genetics, University of Kinshasa
Classification: Likely pathogenic for Retinitis pigmentosa 38. Last evaluated: 2024-03-07. Review status: criteria provided, single submitter. Criteria: ACMG Guidelines, 2015. Collection method: research. Allele origin: inherited, unknown. Inheritance: Autosomal recessive inheritance. Affected: yes. Observed: 2 compound heterozygotes. Clinical features observed: Reduced visual acuity (HP:0007663), Spicular pigmentation of the retina (HP:0007737), Retinal pigment epithelial atrophy (HP:0007722), Autosomal recessive pericentral pigmentary retinopathy (HP:0007947), Abnormal retinal vascular morphology (HP:0008046).
Comment: The variants in a gene (MERTK) are previously associated with retinal pigmentosa 38. This missense variant is present in gnomAD population database. This variant has been submitted in ClinVar as uncertain significance (PM2, BP4; Accession: VCV000866432.6) where in the same region, the substitution C>G is predicted to be pathogenic. Computational prediction tools unanimously support a benign effect on the gene. This variant was observed in 2 unrelated affected individuals in our Center. In both individuals, parents were not available for testing. This variant was assumed to be in trans with the NM_006343.3:c.2486+6T>A on the other chromosome in one of the affected individuals and in trans with a 120kb deletion (chr:111930287-112050636) on the other chromosome for the other affected individual, matching with the known mode of inheritance and with the compound heterozygosity as the most likely genotype in both affected individuals.

Literature cited by the submitters: PubMed 29074561 (cited by Labcorp Genetics (formerly Invitae), Labcorp).